The following is an entry in ClinVar:

NM_002185.5(IL7R):c.538-1_538delinsCA

Gene: IL7R (interleukin 7 receptor; plus strand). Cytogenetic location: 5p13.2.
Variant type: Indel.
Coding change: c.538-1_538delinsCA on transcript NM_002185.5 (MANE Select); the canonical splice acceptor site of the intron before coding-DNA position 538 through coding-DNA position 538, GC replaced by CA.
Molecular consequence: splice acceptor variant.
Genome position (GRCh38, 1-based): chr5:35,873,479-35,873,480, GC replaced by CA. VCF-style: chr5-35873479-GC-CA. GRCh37 (hg19) VCF-style: chr5-35873581-GC-CA.
Other names: c.538-1_538delinsCA (NM_001437964.1, NM_001437963.1, NM_001410734.1).
Identifiers: ClinVar variation 4738284 (VCV004738284.1).

ClinVar aggregate classification (germline): Pathogenic (1 of 4 stars; one submission).

Conditions:
Immunodeficiency 104. Also called: Severe combined immunodeficiency, autosomal recessive, T cell-negative, B cell-positive, NK cell-positive; SCID, AUTOSOMAL RECESSIVE, T CELL-NEGATIVE, B CELL-POSITIVE, NK CELL-POSITIVE; Severe Combined Immune Deficiency, Autosomal Recessive, TCell -Negative, B Cell-Positive, NK Cell-Positive, IL7R-Related; IMMUNODEFICIENCY 104, SEVERE COMBINED. Identifiers: MedGen C5676890, MONDO:0012163, OMIM 608971.

Submission:

Labcorp Genetics (formerly Invitae), Labcorp
Classification: Pathogenic for Immunodeficiency 104. Last evaluated: 2025-12-31. Review status: criteria provided, single submitter. Criteria: Invitae Variant Classification Sherloc (09022015). Collection method: clinical testing. Allele origin: germline.
Comment: This sequence change affects a splice site in intron 4 of the IL7R gene. It is expected to disrupt RNA splicing. Variants that disrupt the donor or acceptor splice site typically lead to a loss of protein function (PMID: 16199547), and loss-of-function variants in IL7R are known to be pathogenic (PMID: 21664875, 26123418). Information on the frequency of this variant in the gnomAD database is not available, as this variant may be reported differently in the database. Disruption of this splice site has been observed in individuals with T−B+NK+ severe combined immunodeficiency (PMID: 9843216; internal data). For these reasons, this variant has been classified as Pathogenic.

Literature cited by the submitters: PubMed 16199547; PubMed 21664875; PubMed 26123418; PubMed 9843216.